The following is an entry in ClinVar:

ClinVar aggregate classification (germline): Uncertain significance (1 of 4 stars; one submission).

Conditions:
NRP2-related disorder. Also called: NRP2-related condition.

gnomAD v4.1: 12 of 1,614,046 alleles (0.00074%); highest among the groups gnomAD compares: African/African-American, 0.016%; no homozygotes.

Submission:

PreventionGenetics, part of Exact Sciences
Classification: Uncertain significance for NRP2-related condition. Last evaluated: 2026-06-02. Review status: criteria provided, single submitter. Criteria: ACMG Guidelines, 2015. Collection method: clinical testing. Allele origin: germline.
Comment: The NRP2 c.2503G>C variant is predicted to result in the amino acid substitution p.Val835Leu. To our knowledge, this variant has not been reported in the literature. This variant is reported in 0.012% of alleles in individuals of African descent in gnomAD. At this time, the clinical significance of this variant is uncertain due to the absence of conclusive functional and genetic evidence.

NM_003872.3(NRP2):c.2488G>C (p.Val830Leu)

Gene: NRP2 (neuropilin 2; plus strand). Cytogenetic location: 2q33.3.
Variant type: single nucleotide variant.
Coding change: c.2488G>C on transcript NM_003872.3 (MANE Select); coding-DNA position 2488, G replaced by C.
Protein change: p.Val830Leu; replaces valine 830 with leucine.
Molecular consequence: missense variant.
Genome position (GRCh38, 1-based): chr2:205,794,765, G>C. VCF-style: chr2-205794765-G-C. GRCh37 (hg19) VCF-style: chr2-206659489-G-C.
Other names: c.2503G>C, p.Val835Leu (NM_201266.2); c.2437G>C, p.Val813Leu (NM_201279.2); short protein forms V830L, V835L, V813L.
Identifiers: ClinVar variation 4984145 (VCV004984145.1).